The following is an entry in ClinVar:

ClinVar aggregate classification (germline): Benign/Likely benign. Review status: criteria provided, multiple submitters, no conflicts (2 of 4 stars). 2 submissions from 2 submitters: Benign (1); Likely benign (1). Last evaluated 2024-03-01.

Allele frequency attached by ClinVar (database versions not stated): ESP Exome Variant Server 0.00100; TOPMed 0.00126; gnomAD 0.00202 and 0.00222; 1000 Genomes Project 30x 0.00219; 1000 Genomes Project 0.00260; ExAC 0.00444.
gnomAD v4.1: 3,154 of 1,605,098 alleles (0.2%); highest among the groups gnomAD compares: East Asian, 1.5%; 13 homozygotes.

Submissions (2):

CeGaT Center for Human Genetics Tuebingen
Classification: Likely benign. Last evaluated: 2024-03-01. Review status: criteria provided, single submitter. Criteria: CeGaT Center For Human Genetics Tuebingen Variant Classification Criteria Version 2. Collection method: clinical testing. Allele origin: germline. Affected: yes. Observed: 14 variant alleles.
Comment: TRMT1: BP4, BP7, BS2

Labcorp Genetics (formerly Invitae), Labcorp
Classification: Benign. Last evaluated: 2019-12-31. Review status: criteria provided, single submitter. Criteria: Invitae Variant Classification Sherloc (09022015). Collection method: clinical testing. Allele origin: germline.

NM_001136035.4(TRMT1):c.1509G>A (p.Glu503=)

Gene: TRMT1 (tRNA methyltransferase 1; minus strand). Cytogenetic location: 19p13.13.
Variant type: single nucleotide variant.
Coding change: c.1509G>A on transcript NM_001136035.4 (MANE Select); coding-DNA position 1509, G replaced by A.
Protein change: p.Glu503=; no amino-acid change (glutamic acid 503 retained).
Molecular consequence: synonymous variant.
Genome position (GRCh38, 1-based): chr19:13,107,648, C>T on the plus strand (G>A on the coding strand, the complement: TRMT1 is on the minus strand). VCF-style: chr19-13107648-C-T. GRCh37 (hg19) VCF-style: chr19-13218462-C-T.
Other names: c.1422G>A, p.Glu474= (NM_001142554.3, NM_001351760.2); c.1401G>A, p.Glu467= (NM_001351761.2); c.726G>A, p.Glu242= (NM_001351762.2); c.1509G>A, p.Glu503= (NM_017722.5).
Identifiers: ClinVar variation 782623 (VCV000782623.38), dbSNP rs35206121, ClinGen allele CA9237605.